The following is an entry in ClinVar:

ClinVar aggregate classification (germline): Likely benign (0 of 4 stars; one submission).

Conditions:
MUC16-related disorder. Also called: MUC16-related condition.

Allele frequency attached by ClinVar (database versions not stated): gnomAD exomes 0.00008; ExAC 0.00028; 1000 Genomes Project 0.00060; ESP Exome Variant Server 0.00083; 1000 Genomes Project 30x 0.00094; gnomAD 0.00100; TOPMed 0.00107.

Submission:

PreventionGenetics, part of Exact Sciences
Classification: Likely benign for MUC16-related condition. Last evaluated: 2022-06-12. Review status: no assertion criteria provided. Collection method: clinical testing. Allele origin: germline.
Comment: This variant is classified as likely benign based on ACMG/AMP sequence variant interpretation guidelines (Richards et al. 2015 PMID: 25741868, with internal and published modifications).

NM_001401501.2(MUC16):c.9685G>T (p.Gly3229Trp)

Gene: MUC16 (mucin 16, cell surface associated; minus strand). Cytogenetic location: 19p13.2.
Variant type: single nucleotide variant.
Coding change: c.9685G>T on transcript NM_001401501.2 (MANE Select); coding-DNA position 9685, G replaced by T.
Protein change: p.Gly3229Trp; replaces glycine 3229 with tryptophan.
Molecular consequence: missense variant.
Genome position (GRCh38, 1-based): chr19:8,969,790, C>A on the plus strand (G>T on the coding strand, the complement: MUC16 is on the minus strand). VCF-style: chr19-8969790-C-A. GRCh37 (hg19) VCF-style: chr19-9080466-C-A.
Other names: c.10111G>T, p.Gly3371Trp (NM_001414686.1); c.9565G>T, p.Gly3189Trp (NM_001414687.1, NM_024690.2); short protein forms G3189W, G3229W, G3371W.
Identifiers: ClinVar variation 3051028 (VCV003051028.2), dbSNP rs199656151, ClinGen allele CA9171675.